The following is an entry in ClinVar:

ClinVar aggregate classification (germline): Likely benign. Review status: criteria provided, multiple submitters, no conflicts (2 of 4 stars). 4 submissions from 4 submitters: Likely benign (4). Last evaluated 2025-10-14.

Conditions:
RYR1-related disorder. Also called: RYR1-related disorders; RYR1-related condition. Identifiers: MedGen CN239331.
Malignant hyperthermia, susceptibility to, 1 (MHS1). Also called: RYR1-Related Malignant Hyperthermia Susceptibility; Anesthesia related hyperthermia; Malignant hyperpyrexia; Fulminating hyperpyrexia; Pharmacogenic myopathy; Malignant hyperthermia suceptibility 1. Identifiers: Orphanet 423, MedGen C2930980, MONDO:0007783, OMIM 145600.

Allele frequency attached by ClinVar (database versions not stated): gnomAD exomes 0.00001 and 0.00003; gnomAD 0.00003; ExAC 0.00005; TOPMed 0.00009; ESP Exome Variant Server 0.00031.
gnomAD v4.1: 26 of 1,613,468 alleles (0.0016%); highest among the groups gnomAD compares: African/African-American, 0.011%; no homozygotes.

Submissions (4):

Labcorp Genetics (formerly Invitae), Labcorp
Classification: Likely benign for RYR1-related disorder. Last evaluated: 2025-10-14. Review status: criteria provided, single submitter. Criteria: Invitae Variant Classification Sherloc (09022015). Collection method: clinical testing. Allele origin: germline.

All of Us Research Program, National Institutes of Health
Classification: Likely benign for Malignant hyperthermia, susceptibility to, 1. Last evaluated: 2023-11-28. Review status: criteria provided, single submitter. Criteria: ACMG Guidelines, 2015. Collection method: clinical testing. Allele origin: germline. Inheritance: Autosomal dominant inheritance. Observed: 4 variant alleles, 4 heterozygotes.
Comment: This study involves interpretation of variants in research participants for the purpose of population health screening. Participant phenotype was not available at the time of variant classification. Additional details can be found in publication PMID: 35346344, PMCID: PMC8962531

Color Diagnostics, LLC DBA Color Health
Classification: Likely benign for Malignant hyperthermia, susceptibility to, 1. Last evaluated: 2022-11-06. Review status: criteria provided, single submitter. Criteria: ACMG Guidelines, 2015. Collection method: clinical testing. Allele origin: germline.

CeGaT Center for Human Genetics Tuebingen
Classification: Likely benign. Last evaluated: 2020-01-01. Review status: criteria provided, single submitter. Criteria: CeGaT Center For Human Genetics Tuebingen Variant Classification Criteria Version 2. Collection method: clinical testing. Allele origin: germline. Affected: yes. Observed: 1 variant allele.

NM_000540.3(RYR1):c.546G>A (p.Ser182=)

Gene: RYR1 (ryanodine receptor 1; plus strand). Cytogenetic location: 19q13.2.
Variant type: single nucleotide variant.
Coding change: c.546G>A on transcript NM_000540.3 (MANE Select); coding-DNA position 546, G replaced by A.
Protein change: p.Ser182=; no amino-acid change (serine 182 retained).
Molecular consequence: synonymous variant.
Genome position (GRCh38, 1-based): chr19:38,444,592, G>A. VCF-style: chr19-38444592-G-A. GRCh37 (hg19) VCF-style: chr19-38935232-G-A.
Other names: c.546G>A, p.Ser182= (NM_001042723.2).
Identifiers: ClinVar variation 872067 (VCV000872067.51), dbSNP rs372660267, ClinGen allele CA067140.